The following is an entry in ClinVar:

NM_020338.4(ZMIZ1):c.1562C>G (p.Thr521Ser)

Gene: ZMIZ1 (zinc finger MIZ-type containing 1; plus strand). Cytogenetic location: 10q22.3.
Variant type: single nucleotide variant.
Coding change: c.1562C>G on transcript NM_020338.4 (MANE Select); coding-DNA position 1562, C replaced by G.
Protein change: p.Thr521Ser; replaces threonine 521 with serine.
Molecular consequence: missense variant.
Genome position (GRCh38, 1-based): chr10:79,298,476, C>G. VCF-style: chr10-79298476-C-G. GRCh37 (hg19) VCF-style: chr10-81058233-C-G.
Other names: short protein forms T521S.
Identifiers: ClinVar variation 3373580 (VCV003373580.1).

ClinVar aggregate classification (germline): Uncertain significance (1 of 4 stars; one submission).

Submission:

GeneDx
Classification: Uncertain significance. Last evaluated: 2024-02-29. Review status: criteria provided, single submitter. Criteria: GeneDx Variant Classification Process June 2021. Collection method: clinical testing. Allele origin: germline. Affected: yes.
Comment: Not observed at significant frequency in large population cohorts (gnomAD); In silico analysis supports that this missense variant has a deleterious effect on protein structure/function; Has not been previously published as pathogenic or benign to our knowledge